The following is an entry in ClinVar:

ClinVar aggregate classification (germline): Benign (0 of 4 stars; one submission).

Conditions:
PPP1R9A-related disorder. Also called: PPP1R9A-related condition.

Allele frequency attached by ClinVar (database versions not stated): ExAC 0.57221; gnomAD 0.59055; ESP Exome Variant Server 0.59419; 1000 Genomes Project 30x 0.60337; 1000 Genomes Project 0.60483; TOPMed 0.60665.
gnomAD v4.1: 860,659 of 1,559,756 alleles (55%); highest among the groups gnomAD compares: East Asian, 68%; 239,659 homozygotes.

Submission:

PreventionGenetics, part of Exact Sciences
Classification: Benign for PPP1R9A-related condition. Last evaluated: 2019-10-17. Review status: no assertion criteria provided. Collection method: clinical testing. Allele origin: germline.
Comment: This variant is classified as benign based on ACMG/AMP sequence variant interpretation guidelines (Richards et al. 2015 PMID: 25741868, with internal and published modifications).

NM_001166160.2(PPP1R9A):c.3116G>A (p.Arg1039Gln)

Genes: PPP1R9A (protein phosphatase 1 regulatory subunit 9A; plus strand), LOC126860112 (CDK7 strongly-dependent group 2 enhancer GRCh37_chr7:94897970-94899169; plus strand). Cytogenetic location: 7q21.3.
Variant type: single nucleotide variant.
Coding change: c.3116G>A on transcript NM_001166160.2 (MANE Select); coding-DNA position 3116, G replaced by A.
Protein change: p.Arg1039Gln; replaces arginine 1039 with glutamine.
Molecular consequence: missense variant. On other transcripts: intron variant (2).
Genome position (GRCh38, 1-based): chr7:95,269,499, G>A. VCF-style: chr7-95269499-G-A. GRCh37 (hg19) VCF-style: chr7-94898811-G-A.
Other names: c.2996G>A, p.Arg999Gln (NM_001166161.1); c.3050G>A, p.Arg1017Gln (NM_001166162.1); c.2757+792G>A (NM_017650.3, NM_001166163.1); short protein forms R1017Q, R1039Q, R999Q.
Identifiers: ClinVar variation 3058883 (VCV003058883.2), dbSNP rs854524, ClinGen allele CA4349808.